The following is an entry in ClinVar:

ClinVar aggregate classification (germline): Uncertain significance (1 of 4 stars; one submission).

Conditions:
Inborn genetic diseases. Identifiers: MedGen C0950123, MeSH D030342.

gnomAD v4.1: 1 of 1,613,984 alleles (0.000062%); highest among the groups gnomAD compares: Non-Finnish European, 0.000085%; no homozygotes.

Submission:

Ambry Genetics
Classification: Uncertain significance for Inborn genetic diseases. Last evaluated: 2024-09-26. Review status: criteria provided, single submitter. Criteria: Ambry Variant Classification Scheme 2023. Collection method: clinical testing. Allele origin: germline.
Comment: The p.E1017Q variant (also known as c.3049G>C), located in coding exon 23 of the LRRK2 gene, results from a G to C substitution at nucleotide position 3049. The glutamic acid at codon 1017 is replaced by glutamine, an amino acid with highly similar properties. This amino acid position is conserved. In addition, the in silico prediction for this alteration is inconclusive. Based on the available evidence, the clinical significance of this variant remains unclear.

NM_198578.4(LRRK2):c.3049G>C (p.Glu1017Gln)

Gene: LRRK2 (leucine rich repeat kinase 2; plus strand). Cytogenetic location: 12q12.
Variant type: single nucleotide variant.
Coding change: c.3049G>C on transcript NM_198578.4 (MANE Select); coding-DNA position 3049, G replaced by C.
Protein change: p.Glu1017Gln; replaces glutamic acid 1017 with glutamine.
Molecular consequence: missense variant.
Genome position (GRCh38, 1-based): chr12:40,295,597, G>C. VCF-style: chr12-40295597-G-C. GRCh37 (hg19) VCF-style: chr12-40689399-G-C.
Other names: short protein forms E1017Q.
Identifiers: ClinVar variation 3540701 (VCV003540701.1).
Genomic context (GRCh38, chr12:40,295,597, plus strand): 5'-ATTGATGCCCTAAGCCAGAAATGCTGTATAAGTGTTCATTTGGAGCATCTTGAAAAGCTG[G>C]AGCTTCACCAGAATGCACTCACGAGCTTTCCACAACAGCTATGTGAAGTAAATTTAATTT-3'
Protein context (NP_940980.4, residues 1007-1027): SVHLEHLEKL[Glu1017Gln]LHQNALTSFP